The following is an entry in ClinVar:

ClinVar aggregate classification (germline): Uncertain significance. Review status: criteria provided, multiple submitters, no conflicts (2 of 4 stars). 2 submissions from 2 submitters: Uncertain significance (2). Last evaluated 2022-09-20.

Conditions:
Hereditary cancer-predisposing syndrome. Also called: Tumor predisposition; Hereditary Cancer Syndrome; Neoplastic Syndromes, Hereditary; Hereditary neoplastic syndrome. Identifiers: Orphanet 140162, MedGen C0027672, MeSH D009386, MONDO:0015356.

Submissions (2):

Ambry Genetics
Classification: Uncertain significance for Hereditary cancer-predisposing syndrome. Last evaluated: 2022-09-20. Review status: criteria provided, single submitter. Criteria: Ambry Variant Classification Scheme 2023. Collection method: clinical testing. Allele origin: germline.
Comment: The p.L808F variant (also known as c.2424G>T), located in coding exon 21 of the TSC2 gene, results from a G to T substitution at nucleotide position 2424. The leucine at codon 808 is replaced by phenylalanine, an amino acid with highly similar properties. This amino acid position is conserved. In addition, this alteration is predicted to be deleterious by in silico analysis. Since supporting evidence is limited at this time, the clinical significance of this alteration remains unclear.

GeneDx
Classification: Uncertain significance. Last evaluated: 2014-12-17. Review status: criteria provided, single submitter. Criteria: GeneDx Variant Classification (06012015). Collection method: clinical testing. Allele origin: germline. Affected: yes.
Comment: p.Leu808Phe (TTG>TTT): c.2424 G>T in exon 22 of the TSC2 gene (NM_000548.3)A variant of unknown significance has been identified in the TSC2 gene. The L808F variant has not been published as a mutation, nor has it been reported as a benign polymorphism to our knowledge. It was not observed in approximately 6,500 individuals of European and African American ancestry in the NHLBI Exome Sequencing Project, indicating it is not a common benign variant in these populations. This substitution occurs at a position that is highly conserved across species, and a different missense mutation in the same codon (L808S) as well as missense mutations in nearby residues (C804R, E814K, P816L) have been reported in association with tuberous sclerosis (TSC2 LOVD), supporting the functional importance of this region of the protein. In silico analysis predicts this variant is probably damaging to the protein structure/function. However, the L808F variant is a conservative amino acid substitution, which is not likely to impact secondary protein structure as these residues share similar properties. Additionally, this substitution does not occur within known functional domains of the tuberin protein, where many pathogenic missense mutations have been identified (Northrup et al., 2011; Au et al., 2007). Therefore, based on the currently available information, it is unclear whether this variant is a pathogenic mutation or a rare benign variant. The variant is found in INFANT-EPI panel(s).

NM_000548.5(TSC2):c.2424G>T (p.Leu808Phe)

Gene: TSC2 (TSC complex subunit 2; plus strand). Cytogenetic location: 16p13.3.
Variant type: single nucleotide variant.
Coding change: c.2424G>T on transcript NM_000548.5 (MANE Select); coding-DNA position 2424, G replaced by T.
Protein change: p.Leu808Phe; replaces leucine 808 with phenylalanine.
Molecular consequence: missense variant.
Genome position (GRCh38, 1-based): chr16:2,074,268, G>T. VCF-style: chr16-2074268-G-T. GRCh37 (hg19) VCF-style: chr16-2124269-G-T.
Other names: p.L808F:TTG>TTT; c.2424G>T, p.Leu808Phe (NM_001077183.3, NM_001114382.3, NM_001363528.2 and 3 more transcripts); c.2313G>T, p.Leu771Phe (NM_001318827.2); c.2277G>T, p.Leu759Phe (NM_001318829.2); c.1824G>T, p.Leu608Phe (NM_001318831.2); c.2457G>T, p.Leu819Phe (NM_001318832.2); short protein forms L808F, L759F, L608F, L771F, L819F.
Identifiers: ClinVar variation 207730 (VCV000207730.4), dbSNP rs796053489, ClinGen allele CA319474.